The following is an entry in ClinVar:

ClinVar aggregate classification (germline): Likely benign (0 of 4 stars; one submission).

Conditions:
SDCCAG8-related disorder. Also called: SDCCAG8-Related Disorders; SDCCAG8-related condition.

gnomAD v4.1: 24 of 1,614,148 alleles (0.0015%); highest among the groups gnomAD compares: Non-Finnish European, 0.0019%; no homozygotes.

Submission:

PreventionGenetics, part of Exact Sciences
Classification: Likely benign for SDCCAG8-related condition. Last evaluated: 2020-12-16. Review status: no assertion criteria provided. Collection method: clinical testing. Allele origin: germline.
Comment: This variant is classified as likely benign based on ACMG/AMP sequence variant interpretation guidelines (Richards et al. 2015 PMID: 25741868, with internal and published modifications).

NM_006642.5(SDCCAG8):c.547-4T>C

Gene: SDCCAG8 (SHH signaling and ciliogenesis regulator SDCCAG8; plus strand). Cytogenetic location: 1q43.
Variant type: single nucleotide variant.
Coding change: c.547-4T>C on transcript NM_006642.5 (MANE Select); 4 bases into the intron before coding-DNA position 547, T replaced by C.
Molecular consequence: intron variant.
Genome position (GRCh38, 1-based): chr1:243,293,087, T>C. VCF-style: chr1-243293087-T-C. GRCh37 (hg19) VCF-style: chr1-243456389-T-C.
Other names: c.253-4T>C (NM_001350249.2); c.-827-4T>C (NM_001350251.2); c.547-4T>C (NM_001350248.2); c.-566-4T>C (NM_001350246.2); c.-454-4T>C (NM_001350247.2).
Identifiers: ClinVar variation 3358372 (VCV003358372.1).
Genomic context (GRCh38, chr1:243,293,087, plus strand): 5'-TGTAAAATATGCATGTTTATTTAAAGTTGAATTCAGTTGCAGTTACTGGCACATTTTATT[T>C]TAGGGAAACATGCACAATTCTTGGATTACAACAGGTGAAGATTCTGGGGTGGGCGAAACC-3'